The following is an entry in ClinVar:

ClinVar aggregate classification (germline): Likely pathogenic (1 of 4 stars; one submission).

Conditions:
TYR-related disorder. Also called: TYR-related condition.

Submission:

PreventionGenetics, part of Exact Sciences
Classification: Likely pathogenic for TYR-related condition. Last evaluated: 2026-09-23. Review status: criteria provided, single submitter. Criteria: ACMG Guidelines, 2015. Collection method: clinical testing. Allele origin: germline.
Comment: The TYR c.1232A>G variant is predicted to result in the amino acid substitution p.Tyr411Cys. To our knowledge, this variant has not been reported in the literature. An alternate substitution of this same amino acid residue (p.Tyr411His) has been reported along with a TYR frameshift variant in an individual with oculocutaneous albinism (Table S1, Wei et al. 2021. PubMed ID: 34838614). This missense variant is predicted to be damaging to the encoded protein (REVEL score >0.773, Ioannidis et al. 2016. PubMed ID: 27666373). This variant is absent in a large population database (gnomAD), indicating this variant is rare. This variant is interpreted as likely pathogenic.

NM_000372.5(TYR):c.1232A>G (p.Tyr411Cys)

Gene: TYR (tyrosinase; plus strand). Cytogenetic location: 11q14.3.
Variant type: single nucleotide variant.
Coding change: c.1232A>G on transcript NM_000372.5 (MANE Select); coding-DNA position 1232, A replaced by G.
Protein change: p.Tyr411Cys; replaces tyrosine 411 with cysteine.
Molecular consequence: missense variant.
Genome position (GRCh38, 1-based): chr11:89,284,820, A>G. VCF-style: chr11-89284820-A-G. GRCh37 (hg19) VCF-style: chr11-89017988-A-G.
Other names: short protein forms Y411C.
Identifiers: ClinVar variation 4992703 (VCV004992703.1).